The following is an entry in ClinVar:

NM_000059.4(BRCA2):c.294A>T (p.Leu98Phe)

Gene: BRCA2 (BRCA2 DNA repair associated; plus strand). Cytogenetic location: 13q13.1.
Variant type: single nucleotide variant.
Coding change: c.294A>T on transcript NM_000059.4 (MANE Select); coding-DNA position 294, A replaced by T.
Protein change: p.Leu98Phe; replaces leucine 98 with phenylalanine.
Molecular consequence: missense variant.
Genome position (GRCh38, 1-based): chr13:32,319,303, A>T. VCF-style: chr13-32319303-A-T. GRCh37 (hg19) VCF-style: chr13-32893440-A-T.
Other names: short protein forms L98F.
Identifiers: ClinVar variation 230919 (VCV000230919.5), dbSNP rs876658842, ClinGen allele CA10579452.
Genomic context (GRCh38, chr13:32,319,303, plus strand): 5'-AATAATATTCAAAGAGCAAGGGCTGACTCTGCCGCTGTACCAATCTCCTGTAAAAGAATT[A>T]GATAAATTCAAATTAGACTTAGGTAAGTAATGCAATATGGTAGACTGGGGAGAACTACAA-3'
Protein context (NP_000050.3, residues 88-108): LPLYQSPVKE[Leu98Phe]DKFKLDLGRN

ClinVar aggregate classification (germline): Uncertain significance (1 of 4 stars; one submission).

Conditions:
Hereditary cancer-predisposing syndrome. Also called: Neoplastic Syndromes, Hereditary; Tumor predisposition; Hereditary Cancer Syndrome; Hereditary neoplastic syndrome. Identifiers: Orphanet 140162, MedGen C0027672, MeSH D009386, MONDO:0015356.

Submission:

Ambry Genetics
Classification: Uncertain significance for Hereditary cancer-predisposing syndrome. Last evaluated: 2015-03-09. Review status: criteria provided, single submitter. Criteria: Ambry Variant Classification Scheme 2023. Collection method: clinical testing. Allele origin: germline.
Comment: The p.L98F variant (also known as c.294A>T and 522A>T), located in coding exon 2 of the BRCA2 gene, results from an A to T substitution at nucleotide position 294. The leucine at codon 98 is replaced by phenylalanine, an amino acid with highly similar properties. This variant was not reported in population based cohorts in the following databases: Database of Single Nucleotide Polymorphisms (dbSNP), NHLBI Exome Sequencing Project (ESP), and 1000 Genomes Project. In the ESP, this variant was not observed in 6503 samples (13006 alleles) with coverage at this position. To date, this alteration has been detected with an allele frequency of approximately 0.001% (greater than 105,000 alleles tested) in our clinical cohort. This amino acid position is not well conserved in available vertebrate species. In addition, this alteration is predicted to be benign and deleterious by PolyPhen and SIFT in silico analyses, respectively. Since supporting evidence is limited at this time, the clinical significance of p.L98F remains unclear.